The following is an entry in ClinVar:

ClinVar aggregate classification (germline): Pathogenic. Review status: criteria provided, multiple submitters, no conflicts (2 of 4 stars). 2 submissions from 2 submitters: Pathogenic (2). Last evaluated 2026-02-23.

Conditions:
Jeune thoracic dystrophy. Also called: Short-rib thoracic dysplasia; Jeune syndrome; Infantile thoracic dystrophy; Thoracic pelvic phalangeal dystrophy; Jeune's syndrome; Chondroectodermal dysplasia-like syndrome. Identifiers: Orphanet 474, MedGen C0265275, MONDO:0018770.
Asphyxiating thoracic dystrophy 3. Also called: SHORT-RIB THORACIC DYSPLASIA 3 WITH OR WITHOUT POLYDACTYLY; SHORT-RIB THORACIC DYSPLASIA 3/6 WITH POLYDACTYLY, DIGENIC; Short rib polydactyly syndrome 2B; POLYDACTYLY WITH NEONATAL CHONDRODYSTROPHY, TYPE I; Saldino-Noonan Syndrome. Identifiers: Orphanet 474, Orphanet 93269, Orphanet 93270, Orphanet 93271, MedGen C0036069, MONDO:0013127, OMIM 613091.

Submissions (2):

Myriad Genetics, Inc.
Classification: Pathogenic for Asphyxiating thoracic dystrophy 3. Last evaluated: 2026-02-23. Review status: criteria provided, single submitter. Criteria: Myriad Autosomal Dominant, Autosomal Recessive and X-Linked Classification Criteria (2023). Collection method: clinical testing. Allele origin: unknown.
Comment: NM_001377.2(DYNC2H1):c.3443_3446dupACTG(W1149*) is a nonsense variant classified as pathogenic in the context of DYNC2H1-related disorders. W1149* has not been observed in cases with relevant disease. Relevant functional assessments of this variant are not available in the literature. W1149* has not been observed in referenced population frequency databases. In summary, NM_001377.2(DYNC2H1):c.3443_3446dupACTG(W1149*) is a nonsense variant in a gene where loss of function is a known mechanism of disease and is predicted to disrupt protein function. Please note: this variant was assessed in the context of healthy population screening.

Labcorp Genetics (formerly Invitae), Labcorp
Classification: Pathogenic for Jeune thoracic dystrophy. Last evaluated: 2023-04-07. Review status: criteria provided, single submitter. Criteria: Invitae Variant Classification Sherloc (09022015). Collection method: clinical testing. Allele origin: germline.
Comment: This sequence change creates a premature translational stop signal (p.Trp1149*) in the DYNC2H1 gene. It is expected to result in an absent or disrupted protein product. Loss-of-function variants in DYNC2H1 are known to be pathogenic (PMID: 23339108, 32753734). This variant is not present in population databases (gnomAD no frequency). This variant has not been reported in the literature in individuals affected with DYNC2H1-related conditions. For these reasons, this variant has been classified as Pathogenic.

Literature cited by the submitters: PubMed 23339108 (cited by Labcorp Genetics (formerly Invitae), Labcorp); PubMed 32753734 (cited by Labcorp Genetics (formerly Invitae), Labcorp).

NM_001377.3(DYNC2H1):c.3443_3446dup (p.Trp1149Ter)

Gene: DYNC2H1 (dynein cytoplasmic 2 heavy chain 1; plus strand). Cytogenetic location: 11q22.3.
Variant type: Duplication.
Coding change: c.3443_3446dup on transcript NM_001377.3 (MANE Select); coding-DNA positions 3443 to 3446, 4 bases duplicated (ACTG; older notation c.3443_3446dupACTG).
Protein change: p.Trp1149Ter; replaces tryptophan 1149 with a stop codon.
Molecular consequence: nonsense.
Genome position (GRCh38, 1-based): chr11:103,154,591-103,154,594, ACTG duplicated; duplicating any 4 consecutive bases within chr11:103,154,590-103,154,594 gives the same sequence; the c. name uses the placement nearest the transcript's 3' end. VCF-style (leftmost placement, unchanged base first): chr11-103154589-A-AGACT. GRCh37 (hg19) VCF-style: chr11-103025318-A-AGACT.
Other names: c.3443_3446dup, p.Trp1149Ter (NM_001080463.2); short protein forms W1149*.
Identifiers: ClinVar variation 2853403 (VCV002853403.4), dbSNP rs2497047713, ClinGen allele CA2739270841.
Genomic context (GRCh38, chr11:103,154,589, plus strand): 5'-TGCCCAAATTTGGGCCTTTTATGAAGAGTTTCAACAAGGATTTCAGGAAATGGCCAATGA[A>AGACT]GACTGGATCACTTTTCGGTTTGATTCAAAAACAATATTTAGACTAATAATTTGGTTGTTT-3'